The following is an entry in ClinVar:

NM_000059.4(BRCA2):c.1540G>C (p.Glu514Gln)

Gene: BRCA2 (BRCA2 DNA repair associated; plus strand). Cytogenetic location: 13q13.1.
Variant type: single nucleotide variant.
Coding change: c.1540G>C on transcript NM_000059.4 (MANE Select); coding-DNA position 1540, G replaced by C.
Protein change: p.Glu514Gln; replaces glutamic acid 514 with glutamine.
Molecular consequence: missense variant.
Genome position (GRCh38, 1-based): chr13:32,333,018, G>C. VCF-style: chr13-32333018-G-C. GRCh37 (hg19) VCF-style: chr13-32907155-G-C.
Other names: c.1540G>C, p.Glu514Gln (NM_001406719.1, NM_001406720.1, NM_001406721.1); short protein forms E514Q.
Identifiers: ClinVar variation 1774847 (VCV001774847.4), dbSNP rs2137472471, ClinGen allele CA387764624.
Genomic context (GRCh38, chr13:32,333,018, plus strand): 5'-GTGGCTTCTTCATTTCAGGGTATCAAAAAGTCTATATTCAGAATAAGAGAATCACCTAAA[G>C]AGACTTTCAATGCAAGTTTTTCAGGTCATATGACTGATCCAAACTTTAAAAAAGAAACTG-3'
Protein context (NP_000050.3, residues 504-524): SIFRIRESPK[Glu514Gln]TFNASFSGHM

ClinVar aggregate classification (germline): Conflicting classifications of pathogenicity. Review status: criteria provided, conflicting classifications (1 of 4 stars). 2 submissions from 2 submitters: Uncertain significance (1); Likely benign (1). Last evaluated 2023-03-23.

Conditions:
Hereditary cancer-predisposing syndrome. Also called: Hereditary Cancer Syndrome; Hereditary neoplastic syndrome; Neoplastic Syndromes, Hereditary; Tumor predisposition. Identifiers: Orphanet 140162, MedGen C0027672, MeSH D009386, MONDO:0015356.

gnomAD v4.1: 1 of 1,596,250 alleles (0.000063%); no homozygotes.

Submissions (2):

University of Washington Department of Laboratory Medicine, University of Washington
Classification: Likely benign for Hereditary cancer-predisposing syndrome. Last evaluated: 2023-03-23. Review status: criteria provided, single submitter. Criteria: Dines et al. (Genet Med. 2020). Collection method: curation. Allele origin: germline.
Comment: Missense variant in a coldspot region where missense variants are very unlikely to be pathogenic (PMID:31911673).

BRCA2 exon 10 coldspot. Reclassification based on statistical prior probability.

Ambry Genetics
Classification: Uncertain significance for Hereditary cancer-predisposing syndrome. Last evaluated: 2021-08-09. Review status: criteria provided, single submitter. Criteria: Ambry Variant Classification Scheme 2023. Collection method: clinical testing. Allele origin: germline.
Comment: The p.E514Q variant (also known as c.1540G>C), located in coding exon 9 of the BRCA2 gene, results from a G to C substitution at nucleotide position 1540. The glutamic acid at codon 514 is replaced by glutamine, an amino acid with highly similar properties. This amino acid position is not well conserved in available vertebrate species. In addition, this alteration is predicted to be tolerated by in silico analysis. Since supporting evidence is limited at this time, the clinical significance of this alteration remains unclear.